The following is an entry in ClinVar:

ClinVar aggregate classification (germline): Likely benign. Review status: criteria provided, multiple submitters, no conflicts (2 of 4 stars). 2 submissions from 2 submitters: Likely benign (2). Last evaluated 2025-12-30.

Allele frequency attached by ClinVar (database versions not stated): TOPMed 0.00005; gnomAD 0.00006; gnomAD exomes 0.00006 and 0.00007; ExAC 0.00009.
gnomAD v4.1: 119 of 1,613,868 alleles (0.0074%); highest among the groups gnomAD compares: Non-Finnish European, 0.0093%; no homozygotes.

Submissions (2):

Women's Health and Genetics/Laboratory Corporation of America, LabCorp
Classification: Likely benign. Last evaluated: 2025-12-30. Review status: criteria provided, single submitter. Criteria: LabCorp Variant Classification Summary - May 2015. Collection method: clinical testing. Allele origin: germline.

GeneDx
Classification: Likely benign. Last evaluated: 2017-10-17. Review status: criteria provided, single submitter. Criteria: GeneDx Variant Classification (06012015). Collection method: clinical testing. Allele origin: germline. Affected: yes.
Comment: This variant is considered likely benign or benign based on one or more of the following criteria: it is a conservative change, it occurs at a poorly conserved position in the protein, it is predicted to be benign by multiple in silico algorithms, and/or has population frequency not consistent with disease.

NM_021957.4(GYS2):c.2007T>C (p.Asp669=)

Gene: GYS2 (glycogen synthase 2; minus strand). Cytogenetic location: 12p12.1.
Variant type: single nucleotide variant.
Coding change: c.2007T>C on transcript NM_021957.4 (MANE Select); coding-DNA position 2007, T replaced by C.
Protein change: p.Asp669=; no amino-acid change (aspartic acid 669 retained).
Molecular consequence: synonymous variant.
Genome position (GRCh38, 1-based): chr12:21,537,059, A>G on the plus strand (T>C on the coding strand, the complement: GYS2 is on the minus strand). VCF-style: chr12-21537059-A-G. GRCh37 (hg19) VCF-style: chr12-21689993-A-G.
Identifiers: ClinVar variation 516107 (VCV000516107.2), dbSNP rs753403962, ClinGen allele CA6479634.